The following is an entry in ClinVar:

NM_001291303.3(FAT4):c.10128G>A (p.Leu3376=)

Gene: FAT4 (FAT atypical cadherin 4; plus strand). Cytogenetic location: 4q28.1.
Variant type: single nucleotide variant.
Coding change: c.10128G>A on transcript NM_001291303.3 (MANE Select); coding-DNA position 10128, G replaced by A.
Protein change: p.Leu3376=; no amino-acid change (leucine 3376 retained).
Molecular consequence: synonymous variant.
Genome position (GRCh38, 1-based): chr4:125,451,138, G>A. VCF-style: chr4-125451138-G-A. GRCh37 (hg19) VCF-style: chr4-126372293-G-A.
Other names: c.10128G>A, p.Leu3376= (NM_001291285.3); c.10122G>A, p.Leu3374= (NM_024582.6).
Identifiers: ClinVar variation 2768256 (VCV002768256.5), dbSNP rs199505871, ClinGen allele CA3073637.
Genomic context (GRCh38, chr4:125,451,138, plus strand): 5'-GATTTATGTTTCTGGAATTCTTGATCGAGAAAAAGAAGAAAGGGTGTCTTTGAAGGTATT[G>A]GCCAAGAACTTTGGCAGCATTAGAGGTGCAGATATAGATGAGGTCACTGTAAATGTCACC-3'
Protein context (NP_001278232.1, residues 3366-3386): EKEERVSLKV[Leu3376=]AKNFGSIRGA

ClinVar aggregate classification (germline): Likely benign. Review status: criteria provided, multiple submitters, no conflicts (2 of 4 stars). 2 submissions from 2 submitters: Likely benign (2). Last evaluated 2026-05-01.

Allele frequency attached by ClinVar (database versions not stated): gnomAD exomes below 0.00001; TOPMed below 0.00001; gnomAD 0.00001; ExAC 0.00002; ESP Exome Variant Server 0.00008; 1000 Genomes Project 0.00020; 1000 Genomes Project 30x 0.00031.
gnomAD v4.1: 6 of 1,614,118 alleles (0.00037%); highest among the groups gnomAD compares: East Asian, 0.0022%; no homozygotes.

Submissions (2):

CeGaT Center for Human Genetics Tuebingen
Classification: Likely benign. Last evaluated: 2026-05-01. Review status: criteria provided, single submitter. Criteria: CeGaT Center For Human Genetics Tuebingen Variant Classification Criteria Version 2. Collection method: clinical testing. Allele origin: germline. Affected: yes. Observed: 1 variant allele.
Comment: FAT4: BP4, BP7

Labcorp Genetics (formerly Invitae), Labcorp
Classification: Likely benign. Last evaluated: 2024-02-20. Review status: criteria provided, single submitter. Criteria: Invitae Variant Classification Sherloc (09022015). Collection method: clinical testing. Allele origin: germline.